The following is an entry in ClinVar:

NM_006904.7(PRKDC):c.2781+5T>C

Gene: PRKDC (protein kinase, DNA-activated, catalytic subunit; minus strand). Cytogenetic location: 8q11.21.
Variant type: single nucleotide variant.
Coding change: c.2781+5T>C on transcript NM_006904.7 (MANE Select); 5 bases into the intron after coding-DNA position 2781, T replaced by C.
Molecular consequence: intron variant.
Genome position (GRCh38, 1-based): chr8:47,913,896, A>G on the plus strand (T>C on the coding strand, the complement: PRKDC is on the minus strand). VCF-style: chr8-47913896-A-G. GRCh37 (hg19) VCF-style: chr8-48826456-A-G.
Other names: c.2781+5T>C (NM_001081640.2).
Identifiers: ClinVar variation 860670 (VCV000860670.9), dbSNP rs557417636, ClinGen allele CA4741384.

ClinVar aggregate classification (germline): Conflicting classifications of pathogenicity. Review status: criteria provided, conflicting classifications (1 of 4 stars). 3 submissions from 3 submitters: Uncertain significance (2); Likely benign (1). Last evaluated 2024-09-30.

Conditions:
Severe combined immunodeficiency due to DNA-PKcs deficiency. Also called: IMMUNODEFICIENCY 26 WITH NEUROLOGIC ABNORMALITIES; Immunodeficiency 26 with or without neurologic abnormalities. Identifiers: Orphanet 317425, MedGen C4014833, MONDO:0014423, OMIM 615966.

Allele frequency attached by ClinVar (database versions not stated): gnomAD exomes 0.00003 and 0.00005; gnomAD 0.00005; TOPMed 0.00005; ExAC 0.00006; 1000 Genomes Project 30x 0.00016; 1000 Genomes Project 0.00020.
gnomAD v4.1: 50 of 1,590,834 alleles (0.0031%); highest among the groups gnomAD compares: Admixed American, 0.051%; no homozygotes.

Submissions (3):

Blueprint Genetics
Classification: Likely benign. Last evaluated: 2024-09-30. Review status: criteria provided, single submitter. Criteria: ACMG Guidelines, 2015. Collection method: clinical testing. Allele origin: germline.

Women's Health and Genetics/Laboratory Corporation of America, LabCorp
Classification: Uncertain significance. Last evaluated: 2024-03-28. Review status: criteria provided, single submitter. Criteria: LabCorp Variant Classification Summary - May 2015. Collection method: clinical testing. Allele origin: germline.

Labcorp Genetics (formerly Invitae), Labcorp
Classification: Uncertain significance for Severe combined immunodeficiency due to DNA-PKcs deficiency. Last evaluated: 2023-11-19. Review status: criteria provided, single submitter. Criteria: Invitae Variant Classification Sherloc (09022015). Collection method: clinical testing. Allele origin: germline.
Comment: This sequence change falls in intron 24 of the PRKDC gene. It does not directly change the encoded amino acid sequence of the PRKDC protein. It affects a nucleotide within the consensus splice site. This variant is present in population databases (rs557417636, gnomAD 0.03%). This variant has not been reported in the literature in individuals affected with PRKDC-related conditions. ClinVar contains an entry for this variant (Variation ID: 860670). Variants that disrupt the consensus splice site are a relatively common cause of aberrant splicing (PMID: 17576681, 9536098). Algorithms developed to predict the effect of sequence changes on RNA splicing suggest that this variant may disrupt the consensus splice site. In summary, the available evidence is currently insufficient to determine the role of this variant in disease. Therefore, it has been classified as a Variant of Uncertain Significance.

Literature cited by the submitters: PubMed 17576681 (cited by Labcorp Genetics (formerly Invitae), Labcorp); PubMed 9536098 (cited by Labcorp Genetics (formerly Invitae), Labcorp).